The following is an entry in ClinVar:

NM_012469.4(PRPF6):c.1524+2_1524+4del

Genes: PRPF6 (pre-mRNA processing factor 6; plus strand), LOC126863089 (BRD4-independent group 4 enhancer GRCh37_chr20:62642795-62643994; plus strand). Cytogenetic location: 20q13.33.
Variant type: Deletion.
Coding change: c.1524+2_1524+4del on transcript NM_012469.4 (MANE Select); the canonical splice donor site of the intron after coding-DNA position 1524 through 4 bases into the intron after coding-DNA position 1524, 3 bases deleted (TGG; older notation c.1524+2_1524+4delTGG).
Molecular consequence: splice donor variant.
Genome position (GRCh38, 1-based): chr20:64,011,505-64,011,507, TGG deleted; deleting any 3 consecutive bases within chr20:64,011,503-64,011,507 gives the same sequence; the c. name uses the placement nearest the transcript's 3' end. VCF-style (leftmost placement, unchanged base first): chr20-64011502-AGGT-A. GRCh37 (hg19) VCF-style: chr20-62642855-AGGT-A.
Identifiers: ClinVar variation 2808882 (VCV002808882.3), dbSNP rs2517635512, ClinGen allele CA2739277249.

ClinVar aggregate classification (germline): Uncertain significance (1 of 4 stars; one submission).

Submission:

Labcorp Genetics (formerly Invitae), Labcorp
Classification: Uncertain significance. Last evaluated: 2022-10-19. Review status: criteria provided, single submitter. Criteria: Invitae Variant Classification Sherloc (09022015). Collection method: clinical testing. Allele origin: germline.
Comment: In summary, the available evidence is currently insufficient to determine the role of this variant in disease. Therefore, it has been classified as a Variant of Uncertain Significance. Algorithms developed to predict the effect of sequence changes on RNA splicing suggest that this variant may disrupt the consensus splice site. This variant has not been reported in the literature in individuals affected with PRPF6-related conditions. This variant is not present in population databases (gnomAD no frequency). This sequence change affects a splice site in intron 11 of the PRPF6 gene. It is expected to disrupt RNA splicing. Variants that disrupt the donor or acceptor splice site typically lead to a loss of protein function (PMID: 16199547), however the current clinical and genetic evidence is not sufficient to establish whether loss-of-function variants in PRPF6 cause disease.

Literature cited by the submitters: PubMed 16199547.